The following is an entry in ClinVar:

NM_003079.5(SMARCE1):c.748del (p.Glu250fs)

Gene: SMARCE1 (SWI/SNF related BAF chromatin remodeling complex subunit E1; minus strand). Cytogenetic location: 17q21.2.
Variant type: Deletion.
Coding change: c.748del on transcript NM_003079.5 (MANE Select); coding-DNA position 748, one base deleted (G; older notation c.748delG).
Protein change: p.Glu250fs; shifts the reading frame from glutamic acid 250.
Molecular consequence: frameshift variant.
Genome position (GRCh38, 1-based): chr17:40,631,660, C deleted on the plus strand (G on the coding strand, the reverse complement: SMARCE1 is on the minus strand); the first of 2 consecutive C bases (chr17:40,631,660-40,631,661); deleting either gives the same sequence. VCF-style (leftmost placement, unchanged base first): chr17-40631659-TC-T. GRCh37 (hg19) VCF-style: chr17-38787911-TC-T.
Other names: c.748delG (NM_003079.4); short protein forms E250fs.
Identifiers: ClinVar variation 3446146 (VCV003446146.1).

ClinVar aggregate classification (germline): Pathogenic (1 of 4 stars; one submission).

Conditions:
Hereditary cancer-predisposing syndrome. Also called: Tumor predisposition; Neoplastic Syndromes, Hereditary; Hereditary neoplastic syndrome; Hereditary Cancer Syndrome. Identifiers: Orphanet 140162, MedGen C0027672, MeSH D009386, MONDO:0015356.

Submission:

Ambry Genetics
Classification: Pathogenic for Hereditary cancer-predisposing syndrome. Last evaluated: 2024-09-30. Review status: criteria provided, single submitter. Criteria: Ambry Variant Classification Scheme 2023. Collection method: clinical testing. Allele origin: germline.
Comment: The c.748delG variant, located in coding exon 8 of the SMARCE1 gene, results from a deletion of one nucleotide at nucleotide position 748, causing a translational frameshift with a predicted alternate stop codon (p.E250Nfs*27). This variant is considered to be rare based on population cohorts in the Genome Aggregation Database (gnomAD). This alteration is expected to result in loss of function by premature protein truncation or nonsense-mediated mRNA decay. Loss-of-function variants in SMARCE1 are known to cause increased risk of meningiomas; however, such associations with neurodevelopmental disorders are exceedingly rare (Kosho T et al. Am J Med Genet C Semin Med Genet. 2014 Sep;166C(3):262-75; Smith JM et al. Nat Genet. 2013 Mar;45(3):295-8). Based on the supporting evidence, this alteration is pathogenic for an increased risk of meningiomas; however, the association of this alteration with an increased risk of Coffin-Siris syndrome is unlikely.